The following is an entry in ClinVar:

NM_001105206.3(LAMA4):c.4052A>G (p.Lys1351Arg)

Gene: LAMA4 (laminin subunit alpha 4; minus strand). Cytogenetic location: 6q21.
Variant type: single nucleotide variant.
Coding change: c.4052A>G on transcript NM_001105206.3 (MANE Select); coding-DNA position 4052, A replaced by G.
Protein change: p.Lys1351Arg; replaces lysine 1351 with arginine.
Molecular consequence: missense variant.
Genome position (GRCh38, 1-based): chr6:112,129,957, T>C on the plus strand (A>G on the coding strand, the complement: LAMA4 is on the minus strand). VCF-style: chr6-112129957-T-C. GRCh37 (hg19) VCF-style: chr6-112451159-T-C.
Other names: c.4031A>G, p.Lys1344Arg (NM_001105207.3, NM_002290.5); short protein forms K1344R, K1351R.
Identifiers: ClinVar variation 228782 (VCV000228782.10), dbSNP rs876657843, ClinGen allele CA10577209.
Genomic context (GRCh38, chr6:112,129,957, plus strand): 5'-ATGCAGCCAGTGAAATTAGCATACTGAGCACTGATTGGTGAGCCACCGAAGTAAAACTTC[T>C]TTTCACTTGCTTGTGTCTGTTCTATTTTCCCTTTGGTAGGATTCTTACTCCCAACTCTGC-3'
Protein context (NP_001098676.2, residues 1341-1361): GKIEQTQASE[Lys1351Arg]KFYFGGSPIS

ClinVar aggregate classification (germline): Uncertain significance. Review status: criteria provided, multiple submitters, no conflicts (2 of 4 stars). 3 submissions from 3 submitters: Uncertain significance (3). Last evaluated 2026-01-12.

Conditions:
Dilated cardiomyopathy 1JJ (CMD1JJ). Identifiers: Orphanet 154, MedGen C3808935, MONDO:0014095, OMIM 615235.

Allele frequency attached by ClinVar (database versions not stated): gnomAD 0.00001; gnomAD exomes 0.00001; TOPMed 0.00002.
gnomAD v4.1: 22 of 1,613,012 alleles (0.0014%); highest among the groups gnomAD compares: Non-Finnish European, 0.0018%; no homozygotes.

Submissions (3):

Labcorp Genetics (formerly Invitae), Labcorp
Classification: Uncertain significance for Dilated cardiomyopathy 1JJ. Last evaluated: 2026-01-12. Review status: criteria provided, single submitter. Criteria: Invitae Variant Classification Sherloc (09022015). Collection method: clinical testing. Allele origin: germline.
Comment: This sequence change replaces lysine, which is basic and polar, with arginine, which is basic and polar, at codon 1344 of the LAMA4 protein (p.Lys1344Arg). This variant is not present in population databases (gnomAD no frequency). This variant has not been reported in the literature in individuals affected with LAMA4-related conditions. ClinVar contains an entry for this variant (Variation ID: 228782). Invitae Evidence Modeling of protein sequence and biophysical properties (such as structural, functional, and spatial information, amino acid conservation, physicochemical variation, residue mobility, and thermodynamic stability) indicates that this missense variant is not expected to disrupt LAMA4 protein function with a negative predictive value of 80%. In summary, the available evidence is currently insufficient to determine the role of this variant in disease. Therefore, it has been classified as a Variant of Uncertain Significance.

Fulgent Genetics
Classification: Uncertain significance for Dilated cardiomyopathy 1JJ. Last evaluated: 2021-10-26. Review status: criteria provided, single submitter. Criteria: ACMG Guidelines, 2015. Collection method: clinical testing. Allele origin: unknown.

Laboratory for Molecular Medicine, Mass General Brigham Personalized Medicine
Classification: Uncertain significance. Last evaluated: 2018-05-10. Review status: criteria provided, single submitter. Criteria: LMM Criteria. Collection method: clinical testing. Allele origin: germline. Observed: 1 variant allele.
Comment: proposed classification - variant undergoing re-assessment, contact laboratory